The following is an entry in ClinVar:

NM_001267550.2(TTN):c.52550_52554dup (p.Val17519fs)

Genes: TTN (titin; minus strand), TTN-AS1 (TTN antisense RNA 1; plus strand), LOC126806425 (BRD4-independent group 4 enhancer GRCh37_chr2:179471933-179473132; plus strand). Cytogenetic location: 2q31.2.
Variant type: Duplication.
Coding change: c.52550_52554dup on transcript NM_001267550.2 (MANE Select); coding-DNA positions 52550 to 52554, 5 bases duplicated (CTCGT; older notation c.52550_52554dupCTCGT).
Protein change: p.Val17519fs; shifts the reading frame from valine 17519.
Molecular consequence: frameshift variant.
Genome position (GRCh38, 1-based): chr2:178,608,329-178,608,333, ACGAG duplicated on the plus strand (CTCGT on the coding strand, the reverse complement: TTN is on the minus strand); duplicating any 5 consecutive bases within chr2:178,608,329-178,608,335 gives the same sequence; the c. name uses the placement nearest the transcript's 3' end. VCF-style (leftmost placement, unchanged base first): chr2-178608328-C-CACGAG. GRCh37 (hg19) VCF-style: chr2-179473055-C-CACGAG.
Other names: c.47627_47631dup, p.Val15878fs (NM_001256850.1); c.25355_25359dup, p.Val8454fs (NM_003319.4); c.44846_44850dup, p.Val14951fs (NM_133378.4); c.25730_25734dup, p.Val8579fs (NM_133432.3); c.25931_25935dup, p.Val8646fs (NM_133437.4); c.47627_47631dupCTCGT (NM_001256850.1); short protein forms V8646fs, V17519fs, V8454fs, V14951fs, V15878fs, V8579fs.
Identifiers: ClinVar variation 419055 (VCV000419055.2), dbSNP rs1553688405, ClinGen allele CA16617372.

ClinVar aggregate classification (germline): Pathogenic (1 of 4 stars; one submission).

Submission:

GeneDx
Classification: Pathogenic. Last evaluated: 2016-04-24. Review status: criteria provided, single submitter. Criteria: GeneDx Variant Classification (06012015). Collection method: clinical testing. Allele origin: germline. Affected: yes.
Comment: The c.47627_47631dupCTCGT duplication in the TTN gene has not been reported previously as a pathogenic variant or as a benign polymorphism, to our knowledge. c.47627_47631dupCTCGT causes ashift in reading frame starting at codon Valine 15878, changing it to a Leucine, and creating a prematurestop codon at position 8 of the new reading frame, denoted p.Val15878LeufsX8. This duplication is expectedto result in either an abnormal, truncated protein product or loss of protein from this allele throughnonsense-mediated mRNA decay. Other truncating TTN variants have been reported in approximately 3%of control alleles (Herman D et al., 2012). However, c.47627_47631dupCTCGT is located in the A-bandregion of titin, where the majority of truncating variants associated with DCM have been reported(Herman D et al., 2012). Finally, the c.47627_47631dupCTCGT variant was not observed in approximately6000 individuals of European and African American ancestry in the NHLBI Exome Sequencing Project,indicating it is not a common benign variant in these populations. In summary, c.47627_47631dupCTCGT in the TTN gene is interpreted as a pathogenic variant.